The following is an entry in ClinVar:

NM_000096.4(CP):c.607+1G>A

Gene: CP (ceruloplasmin; minus strand). Cytogenetic location: 3q25.1.
Variant type: single nucleotide variant.
Coding change: c.607+1G>A on transcript NM_000096.4 (MANE Select); the canonical splice donor site of the intron after coding-DNA position 607, G replaced by A.
Molecular consequence: splice donor variant.
Genome position (GRCh38, 1-based): chr3:149,210,166, C>T on the plus strand (G>A on the coding strand, the complement: CP is on the minus strand). VCF-style: chr3-149210166-C-T. GRCh37 (hg19) VCF-style: chr3-148927953-C-T.
Other names: c.607+1G>A.
Identifiers: ClinVar variation 42172 (VCV000042172.3), dbSNP rs386134136, ClinGen allele CA344649.

ClinVar aggregate classification (germline): Pathogenic (0 of 4 stars; one submission).

Conditions:
Deficiency of ferroxidase (ACEP). Also called: Deficiency of ceruloplasmin; Aceruloplasminemia; Ceruloplasmin deficiency; Familial apoceruloplasmin deficiency; Hereditary ceruloplasmin deficiency; NEURODEGENERATION WITH BRAIN IRON ACCUMULATION 10. Identifiers: Orphanet 48818, MedGen C0878682, MONDO:0011426, OMIM 604290, HP:0025498.

gnomAD v4.1: 2 of 1,613,784 alleles (0.00012%); highest among the groups gnomAD compares: East Asian, 0.0022%; no homozygotes.

Submission:

GeneReviews
Classification: Pathogenic for Aceruloplasminemia. Last evaluated: 2013-04-18. Review status: no assertion criteria provided. Collection method: curation. Allele origin: unknown.
ClinVar note: Converted during submission from pathologic to Pathogenic.